The following is an entry in ClinVar:

ClinVar aggregate classification (germline): Uncertain significance (1 of 4 stars; one submission).

gnomAD v4.1: 4 of 1,613,726 alleles (0.00025%); highest among the groups gnomAD compares: Admixed American, 0.0017%; no homozygotes.

Submission:

GeneDx
Classification: Uncertain significance. Last evaluated: 2024-10-03. Review status: criteria provided, single submitter. Criteria: GeneDx Variant Classification Process June 2021. Collection method: clinical testing. Allele origin: germline. Affected: yes.
Comment: Not observed at significant frequency in large population cohorts (gnomAD); In silico analysis supports that this missense variant has a deleterious effect on protein structure/function; Has not been previously published as pathogenic or benign to our knowledge

NM_001378454.1(ALMS1):c.1983A>G (p.Ile661Met)

Gene: ALMS1 (ALMS1 centrosome and basal body associated protein; plus strand). Cytogenetic location: 2p13.1.
Variant type: single nucleotide variant.
Coding change: c.1983A>G on transcript NM_001378454.1 (MANE Select); coding-DNA position 1983, A replaced by G.
Protein change: p.Ile661Met; replaces isoleucine 661 with methionine.
Molecular consequence: missense variant.
Genome position (GRCh38, 1-based): chr2:73,448,510, A>G. VCF-style: chr2-73448510-A-G. GRCh37 (hg19) VCF-style: chr2-73675637-A-G.
Other names: c.1986A>G, p.Ile662Met (NM_015120.4); short protein forms I661M, I662M.
Identifiers: ClinVar variation 3776577 (VCV003776577.1).